The following is an entry in ClinVar:

ClinVar aggregate classification (germline): Benign. Review status: criteria provided, multiple submitters, no conflicts (2 of 4 stars). 3 submissions from 3 submitters: Benign (3). Last evaluated 2019-12-31.

Allele frequency attached by ClinVar (database versions not stated): ExAC 0.00716; ESP Exome Variant Server 0.02326; gnomAD 0.02362 and 0.02523; TOPMed 0.02711; 1000 Genomes Project 0.02756; 1000 Genomes Project 30x 0.02998.

Submissions (3):

Labcorp Genetics (formerly Invitae), Labcorp
Classification: Benign. Last evaluated: 2019-12-31. Review status: criteria provided, single submitter. Criteria: Invitae Variant Classification Sherloc (09022015). Collection method: clinical testing. Allele origin: germline.

GeneDx
Classification: Benign. Last evaluated: 2017-12-18. Review status: criteria provided, single submitter. Criteria: GeneDx Variant Classification (06012015). Collection method: clinical testing. Allele origin: germline. Affected: yes.
Comment: This variant is considered likely benign or benign based on one or more of the following criteria: it is a conservative change, it occurs at a poorly conserved position in the protein, it is predicted to be benign by multiple in silico algorithms, and/or has population frequency not consistent with disease.

Breakthrough Genomics
Classification: Benign. Review status: criteria provided, single submitter. Criteria: ACMG Guidelines, 2015. Collection method: not provided. Allele origin: germline. Inheritance: Unknown mechanism. Affected: yes.

NM_012335.4(MYO1F):c.1524+6C>G

Gene: MYO1F (myosin IF; minus strand). Cytogenetic location: 19p13.2.
Variant type: single nucleotide variant.
Coding change: c.1524+6C>G on transcript NM_012335.4 (MANE Select); 6 bases into the intron after coding-DNA position 1524, C replaced by G.
Molecular consequence: intron variant.
Genome position (GRCh38, 1-based): chr19:8,544,291, G>C on the plus strand (C>G on the coding strand, the complement: MYO1F is on the minus strand). VCF-style: chr19-8544291-G-C. GRCh37 (hg19) VCF-style: chr19-8609175-G-C.
Other names: c.1512+6C>G (NM_001348355.2).
Identifiers: ClinVar variation 514237 (VCV000514237.6), dbSNP rs150510779, ClinGen allele CA9159253.